The following is an entry in ClinVar:

NM_032634.4(PIGO):c.1361G>T (p.Gly454Val)

Gene: PIGO (phosphatidylinositol glycan anchor biosynthesis class O; minus strand). Cytogenetic location: 9p13.3.
Variant type: single nucleotide variant.
Coding change: c.1361G>T on transcript NM_032634.4 (MANE Select); coding-DNA position 1361, G replaced by T.
Protein change: p.Gly454Val; replaces glycine 454 with valine.
Molecular consequence: missense variant. On other transcripts: intron variant (2).
Genome position (GRCh38, 1-based): chr9:35,092,526, C>A on the plus strand (G>T on the coding strand, the complement: PIGO is on the minus strand). VCF-style: chr9-35092526-C-A. GRCh37 (hg19) VCF-style: chr9-35092523-C-A.
Other names: c.1344+17G>T (NM_152850.4, NM_001201484.2); short protein forms G454V.
Identifiers: ClinVar variation 943540 (VCV000943540.9), dbSNP rs751477063, ClinGen allele CA5040650.

ClinVar aggregate classification (germline): Uncertain significance (1 of 4 stars; one submission).

Conditions:
Hyperphosphatasia with impaired intellectual development syndrome 2. Also called: Hyperphosphatasia with intellectual disability syndrome 2; GLYCOSYLPHOSPHATIDYLINOSITOL BIOSYNTHESIS DEFECT 6. Identifiers: Orphanet 247262, MedGen C3553637, MONDO:0013882, OMIM 614749.

Allele frequency attached by ClinVar (database versions not stated): gnomAD exomes below 0.00001; ExAC 0.00001.
gnomAD v4.1: 3 of 1,614,156 alleles (0.00019%); highest among the groups gnomAD compares: Admixed American, 0.0033%; no homozygotes.

Submission:

Labcorp Genetics (formerly Invitae), Labcorp
Classification: Uncertain significance for Hyperphosphatasia with impaired intellectual development syndrome 2. Last evaluated: 2024-10-30. Review status: criteria provided, single submitter. Criteria: Invitae Variant Classification Sherloc (09022015). Collection method: clinical testing. Allele origin: germline.
Comment: This sequence change replaces glycine, which is neutral and non-polar, with valine, which is neutral and non-polar, at codon 454 of the PIGO protein (p.Gly454Val). This variant is present in population databases (rs751477063, gnomAD 0.003%). This variant has not been reported in the literature in individuals affected with PIGO-related conditions. ClinVar contains an entry for this variant (Variation ID: 943540). Invitae Evidence Modeling of protein sequence and biophysical properties (such as structural, functional, and spatial information, amino acid conservation, physicochemical variation, residue mobility, and thermodynamic stability) indicates that this missense variant is expected to disrupt PIGO protein function with a positive predictive value of 95%. In summary, the available evidence is currently insufficient to determine the role of this variant in disease. Therefore, it has been classified as a Variant of Uncertain Significance.